The following is an entry in ClinVar:

ClinVar aggregate classification (germline): Pathogenic. Review status: criteria provided, multiple submitters, no conflicts (2 of 4 stars). 2 submissions from 2 submitters: Pathogenic (2). Last evaluated 2018-11-19.

Conditions:
Primary ciliary dyskinesia 27. Also called: CILIARY DYSKINESIA, PRIMARY, 27, WITHOUT SITUS INVERSUS. Identifiers: Orphanet 244, MedGen C3809701, MONDO:0014215, OMIM 615504.

Allele frequency attached by ClinVar (database versions not stated): gnomAD exomes below 0.00001.

Submissions (2):

Center for Personalized Medicine, Children's Hospital Los Angeles
Classification: Pathogenic. Last evaluated: 2018-11-19. Review status: criteria provided, single submitter. Criteria: ACMG Guidelines, 2015. Collection method: clinical testing. Allele origin: germline. Affected: yes.

Labcorp Genetics (formerly Invitae), Labcorp
Classification: Pathogenic for Primary ciliary dyskinesia 27. Last evaluated: 2017-04-06. Review status: criteria provided, single submitter. Criteria: Invitae Variant Classification Sherloc (09022015). Collection method: clinical testing. Allele origin: germline.
Comment: This sequence change deletes 1 nucleotide from exon 4 of the CCDC65 mRNA (c.494delA), causing a frameshift at codon 165. This creates a premature translational stop signal (p.Glu165Glyfs*19) and is expected to result in an absent or disrupted protein product. For these reasons, this variant has been classified as Pathogenic. While this particular variant has not been reported in the literature, loss-of-function variants in CCDC65 are known to be pathogenic (PMID: 23991085).

Literature cited by the submitters: PubMed 23991085 (cited by Labcorp Genetics (formerly Invitae), Labcorp).

NM_033124.5(DRC2):c.494del (p.Glu165fs)

Gene: DRC2 (dynein regulatory complex subunit 2; plus strand). Cytogenetic location: 12q13.12.
Variant type: Deletion.
Coding change: c.494del on transcript NM_033124.5 (MANE Select); coding-DNA position 494, one base deleted (A; older notation c.494delA).
Protein change: p.Glu165fs; shifts the reading frame from glutamic acid 165.
Molecular consequence: frameshift variant.
Genome position (GRCh38, 1-based): chr12:48,916,993, A deleted. VCF-style (leftmost placement, unchanged base first): chr12-48916992-GA-G. GRCh37 (hg19) VCF-style: chr12-49310775-GA-G.
Other names: c.65del, p.Glu22fs (NM_001286957.2); short protein forms E22fs, E165fs.
Identifiers: ClinVar variation 474640 (VCV000474640.9), dbSNP rs1555174708, ClinGen allele CA658658142.
Genomic context (GRCh38, chr12:48,916,992, plus strand): 5'-TATCCCTCAGAGCAGGGACAGTGTCTTGTCTCCTACAGGAAGACAATTATTGACCAACAT[GA>G]GAAAGAGATTCACTATCTGCAAGATATCTTCATGGCCATGGAGCAGAACTATATAGATTC-3'